The following is an entry in ClinVar:

NM_000135.4(FANCA):c.2987G>A (p.Arg996Lys)

Gene: FANCA (FA complementation group A; minus strand). Cytogenetic location: 16q24.3.
Variant type: single nucleotide variant.
Coding change: c.2987G>A on transcript NM_000135.4 (MANE Select); coding-DNA position 2987, G replaced by A.
Protein change: p.Arg996Lys; replaces arginine 996 with lysine.
Molecular consequence: missense variant.
Genome position (GRCh38, 1-based): chr16:89,752,217, C>T on the plus strand (G>A on the coding strand, the complement: FANCA is on the minus strand). VCF-style: chr16-89752217-C-T. GRCh37 (hg19) VCF-style: chr16-89818625-C-T.
Other names: c.2987G>A, p.Arg996Lys (NM_001286167.3); short protein forms R996K.
Identifiers: ClinVar variation 3848311 (VCV003848311.2).
Genomic context (GRCh38, chr16:89,752,217, plus strand): 5'-TCCTCATTTCCTGTGCGGCCACCAAAGACCAAATCAGAATTTTCTGAGTGGTCATAACTC[C>T]TTGAGCTGAAATGAAAATACAATAAAATCCTCCTCAGTATCGCCTAATAGTGCTGAAGTT-3'
Protein context (NP_000126.2, residues 986-1006): NALMDFHQSS[Arg996Lys]SYDHSENSDL

ClinVar aggregate classification (germline): Uncertain significance (1 of 4 stars; one submission).

Conditions:
Inborn genetic diseases. Identifiers: MedGen C0950123, MeSH D030342.

Submission:

Ambry Genetics
Classification: Uncertain significance for Inborn genetic diseases. Last evaluated: 2025-07-13. Review status: criteria provided, single submitter. Criteria: Ambry Variant Classification Scheme 2023. Collection method: clinical testing. Allele origin: germline.
Comment: The p.R996K variant (also known as c.2987G>A), located in coding exon 31 of the FANCA gene, results from a G to A substitution at nucleotide position 2987. The arginine at codon 996 is replaced by lysine, an amino acid with highly similar properties. This amino acid position is conserved. In addition, this alteration is predicted to be tolerated by in silico analysis. Based on the available evidence, the clinical significance of this variant remains unclear.